The following is an entry in ClinVar:

NM_001379270.1(CNGA1):c.1298G>T (p.Trp433Leu)

Genes: CNGA1 (cyclic nucleotide gated channel subunit alpha 1; minus strand), LOC101927157 (uncharacterized LOC101927157; plus strand). Cytogenetic location: 4p12.
Variant type: single nucleotide variant.
Coding change: c.1298G>T on transcript NM_001379270.1 (MANE Select); coding-DNA position 1298, G replaced by T.
Protein change: p.Trp433Leu; replaces tryptophan 433 with leucine.
Molecular consequence: missense variant.
Genome position (GRCh38, 1-based): chr4:47,937,184, C>A on the plus strand (G>T on the coding strand, the complement: CNGA1 is on the minus strand). VCF-style: chr4-47937184-C-A. GRCh37 (hg19) VCF-style: chr4-47939201-C-A.
Other names: c.1298G>T, p.Trp433Leu (NM_000087.5, NM_001142564.2); short protein forms W433L.
Identifiers: ClinVar variation 422074 (VCV000422074.12), dbSNP rs762935052, ClinGen allele CA2911101.

ClinVar aggregate classification (germline): Uncertain significance. Review status: criteria provided, multiple submitters, no conflicts (2 of 4 stars). 5 submissions from 5 submitters: Uncertain significance (5). Last evaluated 2023-12-13.

Conditions:
Inborn genetic diseases. Identifiers: MedGen C0950123, MeSH D030342.
Retinitis pigmentosa (RP). Identifiers: Orphanet 791, MedGen C0035334, MeSH D012174, MONDO:0019200, OMIM 268000. Inheritance: Autosomal dominant, autosomal recessive and X linked inheritance.

Allele frequency attached by ClinVar (database versions not stated): gnomAD 0.00001; TOPMed 0.00003.
gnomAD v4.1: 49 of 1,614,150 alleles (0.003%); highest among the groups gnomAD compares: Middle Eastern, 0.066%; no homozygotes.

Submissions (5):

Ambry Genetics
Classification: Uncertain significance for Inborn genetic diseases. Last evaluated: 2023-12-13. Review status: criteria provided, single submitter. Criteria: Ambry Variant Classification Scheme 2023. Collection method: clinical testing. Allele origin: germline.

Blueprint Genetics
Classification: Uncertain significance. Last evaluated: 2023-06-05. Review status: criteria provided, single submitter. Criteria: ACMG Guidelines, 2015. Collection method: clinical testing. Allele origin: germline.

Labcorp Genetics (formerly Invitae), Labcorp
Classification: Uncertain significance. Last evaluated: 2022-08-09. Review status: criteria provided, single submitter. Criteria: Invitae Variant Classification Sherloc (09022015). Collection method: clinical testing. Allele origin: germline.
Comment: This sequence change replaces tryptophan, which is neutral and slightly polar, with leucine, which is neutral and non-polar, at codon 437 of the CNGA1 protein (p.Trp437Leu). This variant is present in population databases (rs762935052, gnomAD 0.006%). This variant has not been reported in the literature in individuals affected with CNGA1-related conditions. ClinVar contains an entry for this variant (Variation ID: 422074). Algorithms developed to predict the effect of missense changes on protein structure and function (SIFT, PolyPhen-2, Align-GVGD) all suggest that this variant is likely to be disruptive. In summary, the available evidence is currently insufficient to determine the role of this variant in disease. Therefore, it has been classified as a Variant of Uncertain Significance.

Illumina Laboratory Services, Illumina
Classification: Uncertain significance for Retinitis pigmentosa. Last evaluated: 2018-01-13. Review status: criteria provided, single submitter. Criteria: ICSL Variant Classification Criteria 13 December 2019. Collection method: clinical testing. Allele origin: germline.

GeneDx
Classification: Uncertain significance. Last evaluated: 2016-08-30. Review status: criteria provided, single submitter. Criteria: GeneDx Variant Classification (06012015). Collection method: clinical testing. Allele origin: germline. Affected: yes.
Comment: The W437L variant in the CNGA1 gene has not been reported previously as a pathogenic variant, nor as a benign variant, to our knowledge. The W437L variant was not observed in approximately 6000 individuals of European and African American ancestry in the NHLBI Exome Sequencing Project, indicating it is not a common benign variant in these populations. The W437L variant is a semi-conservative amino acid substitution, which may impact secondary protein structure as these residues differ in some properties. This substitution occurs at a position that is conserved across species. In silico analysis predicts this variant is probably damaging to the protein structure/function. Therefore, we interpret W437L as a variant of uncertain significance.